The following is an entry in ClinVar:

ClinVar aggregate classification (germline): Uncertain significance (1 of 4 stars; one submission).

Conditions:
Stickler syndrome type 2 (STL2). Also called: STICKLER SYNDROME, TYPE II; STICKLER SYNDROME, BEADED VITREOUS TYPE; STICKLER SYNDROME, VITREOUS TYPE 2; COL11A1-Related Stickler Syndrome. Identifiers: Orphanet 828, Orphanet 90654, MedGen C1858084, MONDO:0011493, OMIM 604841.

Submission:

Dasa
Classification: Uncertain significance for Stickler syndrome type 2. Last evaluated: 2025-12-20. Review status: criteria provided, single submitter. Criteria: DASA Assertion Criteria. Collection method: clinical testing. Allele origin: germline.
Comment: NM_001854.4(COL11A1):c.434A>G (p.Lys145Arg) is a missense variant that results in the substitution of lysine with arginine. This variant is rare in population databases. Computational prediction algorithms are consistent with a benign effect. The currently available literature and clinical evidence are not sufficient to establish a definitive association between this variant and the reported condition. Therefore, this variant is classified as a variant of uncertain significance.

NM_001854.4(COL11A1):c.434A>G (p.Lys145Arg)

Gene: COL11A1 (collagen type XI alpha 1 chain; minus strand). Cytogenetic location: 1p21.1.
Variant type: single nucleotide variant.
Coding change: c.434A>G on transcript NM_001854.4 (MANE Select); coding-DNA position 434, A replaced by G.
Protein change: p.Lys145Arg; replaces lysine 145 with arginine.
Molecular consequence: missense variant. On other transcripts: non-coding transcript variant (1).
Genome position (GRCh38, 1-based): chr1:103,078,712, T>C on the plus strand (A>G on the coding strand, the complement: COL11A1 is on the minus strand). VCF-style: chr1-103078712-T-C. GRCh37 (hg19) VCF-style: chr1-103544268-T-C.
Other names: c.434A>G, p.Lys145Arg (NM_001190709.2, NM_080629.3, NM_080630.4); short protein forms K145R.
Identifiers: ClinVar variation 4881678 (VCV004881678.2).